The following is an entry in ClinVar:

ClinVar aggregate classification (germline): Uncertain significance (1 of 4 stars; one submission).

Conditions:
Familial cancer of breast. Also called: Hereditary breast cancer; BREAST CANCER, FAMILIAL; hereditary breast carcinoma. Identifiers: Orphanet 227535, MedGen C0346153, MONDO:0016419, OMIM 114480. Disease mechanism: loss of function.

Allele frequency attached by ClinVar (database versions not stated): TOPMed below 0.00001.

Submission:

Labcorp Genetics (formerly Invitae), Labcorp
Classification: Uncertain significance for Familial cancer of breast. Last evaluated: 2020-04-23. Review status: criteria provided, single submitter. Criteria: Invitae Variant Classification Sherloc (09022015). Collection method: clinical testing. Allele origin: germline.
Comment: This variant is not present in population databases (ExAC no frequency). This sequence change replaces serine with proline at codon 395 of the PALB2 protein (p.Ser395Pro). The serine residue is highly conserved and there is a moderate physicochemical difference between serine and proline. This variant has not been reported in the literature in individuals with PALB2-related conditions. In summary, the available evidence is currently insufficient to determine the role of this variant in disease. Therefore, it has been classified as a Variant of Uncertain Significance. Algorithms developed to predict the effect of missense changes on protein structure and function (SIFT, PolyPhen-2, Align-GVGD) all suggest that this variant is likely to be disruptive, but these predictions have not been confirmed by published functional studies and their clinical significance is uncertain.

NM_024675.4(PALB2):c.1183T>C (p.Ser395Pro)

Gene: PALB2 (partner and localizer of BRCA2; minus strand). Cytogenetic location: 16p12.2.
Variant type: single nucleotide variant.
Coding change: c.1183T>C on transcript NM_024675.4 (MANE Select); coding-DNA position 1183, T replaced by C.
Protein change: p.Ser395Pro; replaces serine 395 with proline.
Molecular consequence: missense variant.
Genome position (GRCh38, 1-based): chr16:23,635,363, A>G on the plus strand (T>C on the coding strand, the complement: PALB2 is on the minus strand). VCF-style: chr16-23635363-A-G. GRCh37 (hg19) VCF-style: chr16-23646684-A-G.
Other names: short protein forms S395P.
Identifiers: ClinVar variation 1034580 (VCV001034580.9), dbSNP rs1966987344, ClinGen allele CA395133336.